The following is an entry in ClinVar:

ClinVar aggregate classification (germline): Uncertain significance. Review status: criteria provided, multiple submitters, no conflicts (2 of 4 stars). 2 submissions from 2 submitters: Uncertain significance (2). Last evaluated 2025-10-02.

gnomAD v4.1: 2 of 1,613,940 alleles (0.00012%); highest among the groups gnomAD compares: South Asian, 0.0022%; no homozygotes.

Submissions (2):

Ambry Genetics
Classification: Uncertain significance. Last evaluated: 2025-10-02. Review status: criteria provided, single submitter. Criteria: Ambry Variant Classification Scheme 2023. Collection method: clinical testing. Allele origin: germline.

Labcorp Genetics (formerly Invitae), Labcorp
Classification: Uncertain significance. Last evaluated: 2022-08-24. Review status: criteria provided, single submitter. Criteria: Invitae Variant Classification Sherloc (09022015). Collection method: clinical testing. Allele origin: germline.
Comment: In summary, the available evidence is currently insufficient to determine the role of this variant in disease. Therefore, it has been classified as a Variant of Uncertain Significance. Algorithms developed to predict the effect of missense changes on protein structure and function (SIFT, PolyPhen-2, Align-GVGD) all suggest that this variant is likely to be tolerated. This variant has not been reported in the literature in individuals affected with ADGRA3-related conditions. This variant is present in population databases (no rsID available, gnomAD 0.003%). This sequence change replaces threonine, which is neutral and polar, with alanine, which is neutral and non-polar, at codon 558 of the ADGRA3 protein (p.Thr558Ala).

NM_145290.4(ADGRA3):c.1672A>G (p.Thr558Ala)

Gene: ADGRA3 (adhesion G protein-coupled receptor A3; minus strand). Cytogenetic location: 4p15.2.
Variant type: single nucleotide variant.
Coding change: c.1672A>G on transcript NM_145290.4 (MANE Select); coding-DNA position 1672, A replaced by G.
Protein change: p.Thr558Ala; replaces threonine 558 with alanine.
Molecular consequence: missense variant.
Genome position (GRCh38, 1-based): chr4:22,421,023, T>C on the plus strand (A>G on the coding strand, the complement: ADGRA3 is on the minus strand). VCF-style: chr4-22421023-T-C. GRCh37 (hg19) VCF-style: chr4-22422646-T-C.
Other names: c.1672A>G (NM_145290.2); short protein forms T558A.
Identifiers: ClinVar variation 1717620 (VCV001717620.6), dbSNP rs777841628, ClinGen allele CA356480987.